The following is an entry in ClinVar:

NM_000444.6(PHEX):c.1240del (p.Leu414fs)

Gene: PHEX (phosphate regulating endopeptidase X-linked; plus strand). Cytogenetic location: Xp22.11.
Variant type: Deletion.
Coding change: c.1240del on transcript NM_000444.6 (MANE Select); coding-DNA position 1240, one base deleted (C; older notation c.1240delC).
Protein change: p.Leu414fs; shifts the reading frame from leucine 414.
Molecular consequence: frameshift variant.
Genome position (GRCh38, 1-based): chrX:22,114,524, C deleted; the last of 3 consecutive C bases (chrX:22,114,522-22,114,524); deleting any one gives the same sequence. VCF-style (leftmost placement, unchanged base first): chrX-22114521-GC-G. GRCh37 (hg19) VCF-style: chrX-22132639-GC-G.
Other names: c.1240del, p.Leu414fs (NM_001282754.2); short protein forms L414fs.
Identifiers: ClinVar variation 2725355 (VCV002725355.3), dbSNP rs2518520664, ClinGen allele CA2697552905.

ClinVar aggregate classification (germline): Pathogenic (1 of 4 stars; one submission).

Submission:

Labcorp Genetics (formerly Invitae), Labcorp
Classification: Pathogenic. Last evaluated: 2023-07-07. Review status: criteria provided, single submitter. Criteria: Invitae Variant Classification Sherloc (09022015). Collection method: clinical testing. Allele origin: germline.
Comment: This sequence change creates a premature translational stop signal (p.Leu414Serfs*10) in the PHEX gene. It is expected to result in an absent or disrupted protein product. Loss-of-function variants in PHEX are known to be pathogenic (PMID: 9097956, 9106524, 19219621). This variant is not present in population databases (gnomAD no frequency). This variant has not been reported in the literature in individuals affected with PHEX-related conditions. For these reasons, this variant has been classified as Pathogenic.

Literature cited by the submitters: PubMed 9097956; PubMed 9106524; PubMed 19219621.